The following is an entry in ClinVar:

NM_004370.6(COL12A1):c.6850G>A (p.Val2284Ile)

Gene: COL12A1 (collagen type XII alpha 1 chain; minus strand). Cytogenetic location: 6q13.
Variant type: single nucleotide variant.
Coding change: c.6850G>A on transcript NM_004370.6 (MANE Select); coding-DNA position 6850, G replaced by A.
Protein change: p.Val2284Ile; replaces valine 2284 with isoleucine.
Molecular consequence: missense variant.
Genome position (GRCh38, 1-based): chr6:75,123,969, C>T on the plus strand (G>A on the coding strand, the complement: COL12A1 is on the minus strand). VCF-style: chr6-75123969-C-T. GRCh37 (hg19) VCF-style: chr6-75833685-C-T.
Other names: c.6850G>A, p.Val2284Ile (NM_001424113.1); c.6829G>A, p.Val2277Ile (NM_001424114.1); c.6577G>A, p.Val2193Ile (NM_001424115.1); c.3358G>A, p.Val1120Ile (NM_001424116.1, NM_080645.3); short protein forms V1120I, V2193I, V2277I, V2284I.
Identifiers: ClinVar variation 4848366 (VCV004848366.1).

ClinVar aggregate classification (germline): Uncertain significance (1 of 4 stars; one submission).

gnomAD v4.1: 3 of 1,613,004 alleles (0.00019%); highest among the groups gnomAD compares: African/African-American, 0.004%; no homozygotes.

Submission:

Women's Health and Genetics/Laboratory Corporation of America, LabCorp
Classification: Uncertain significance. Last evaluated: 2026-04-21. Review status: criteria provided, single submitter. Criteria: LabCorp Variant Classification Summary - May 2015. Collection method: clinical testing. Allele origin: germline.
Comment: Variant summary: COL12A1 c.6850G>A (p.Val2284Ile) results in a conservative amino acid change in the encoded protein sequence. Algorithms developed to predict the effect of missense changes on protein structure and function are either unavailable or do not agree on the potential impact of this missense change. The variant allele was found at a frequency of 4e-06 in 248616 control chromosomes. The available data on variant occurrences in the general population are insufficient to allow any conclusion about variant significance. To our knowledge, no occurrence of c.6850G>A in individuals affected with COL12A1-related conditions and no experimental evidence demonstrating its impact on protein function have been reported. No submitters have cited clinical-significance assessments for this variant to ClinVar. Based on the evidence outlined above, the variant was classified as uncertain significance.